The following is an entry in ClinVar:

ClinVar aggregate classification (germline): Uncertain significance (1 of 4 stars; one submission).

Allele frequency attached by ClinVar (database versions not stated): TOPMed 0.00002; ExAC 0.00004; gnomAD 0.00005; gnomAD exomes 0.00005.
gnomAD v4.1: 74 of 1,614,036 alleles (0.0046%); highest among the groups gnomAD compares: Middle Eastern, 0.016%; no homozygotes.

Submission:

Ambry Genetics
Classification: Uncertain significance. Last evaluated: 2024-09-22. Review status: criteria provided, single submitter. Criteria: Ambry Variant Classification Scheme 2023. Collection method: clinical testing. Allele origin: germline.
Comment: The p.S595R variant (also known as c.1785C>G), located in coding exon 9 of the PALLD gene, results from a C to G substitution at nucleotide position 1785. The serine at codon 595 is replaced by arginine, an amino acid with dissimilar properties. This amino acid position is conserved. In addition, this alteration is predicted to be tolerated by in silico analysis. Since supporting evidence is limited at this time, the clinical significance of this alteration remains unclear.

NM_001166108.2(PALLD):c.1785C>G (p.Ser595Arg)

Gene: PALLD (palladin, cytoskeletal associated protein; plus strand). Cytogenetic location: 4q32.3.
Variant type: single nucleotide variant.
Coding change: c.1785C>G on transcript NM_001166108.2 (MANE Select); coding-DNA position 1785, C replaced by G.
Protein change: p.Ser595Arg; replaces serine 595 with arginine.
Molecular consequence: missense variant.
Genome position (GRCh38, 1-based): chr4:168,711,744, C>G. VCF-style: chr4-168711744-C-G. GRCh37 (hg19) VCF-style: chr4-169632895-C-G.
Other names: c.639C>G, p.Ser213Arg (NM_001166109.2); c.1785C>G, p.Ser595Arg (NM_016081.4); short protein forms S595R, S213R.
Identifiers: ClinVar variation 1780071 (VCV001780071.3), dbSNP rs760231510, ClinGen allele CA3135725.